The following is an entry in ClinVar:

NM_001363.5(DKC1):c.1385C>T (p.Ala462Val)

Gene: DKC1 (dyskerin pseudouridine synthase 1; plus strand). Cytogenetic location: Xq28.
Variant type: single nucleotide variant.
Coding change: c.1385C>T on transcript NM_001363.5 (MANE Select); coding-DNA position 1385, C replaced by T.
Protein change: p.Ala462Val; replaces alanine 462 with valine.
Molecular consequence: missense variant. On other transcripts: 3 prime UTR variant (1), non-coding transcript variant (3).
Genome position (GRCh38, 1-based): chrX:154,776,233, C>T. VCF-style: chrX-154776233-C-T. GRCh37 (hg19) VCF-style: chrX-154004508-C-T.
Other names: c.1370C>T, p.Ala457Val (NM_001142463.3); c.*611C>T (NM_001288747.2); short protein forms A457V, A462V.
Identifiers: ClinVar variation 4751824 (VCV004751824.1).

ClinVar aggregate classification (germline): Uncertain significance (1 of 4 stars; one submission).

Conditions:
Dyskeratosis congenita. Identifiers: Orphanet 1775, MedGen C0265965, MONDO:0015780.

gnomAD v4.1: 2 of 1,211,734 alleles (0.00017%); highest among the groups gnomAD compares: Non-Finnish European, 0.00022%; no homozygotes.

Submission:

Labcorp Genetics (formerly Invitae), Labcorp
Classification: Uncertain significance for Dyskeratosis congenita. Last evaluated: 2025-04-03. Review status: criteria provided, single submitter. Criteria: Invitae Variant Classification Sherloc (09022015). Collection method: clinical testing. Allele origin: germline.
Comment: This sequence change replaces alanine, which is neutral and non-polar, with valine, which is neutral and non-polar, at codon 462 of the DKC1 protein (p.Ala462Val). This variant is not present in population databases (gnomAD no frequency). This variant has not been reported in the literature in individuals affected with DKC1-related conditions. Invitae Evidence Modeling of protein sequence and biophysical properties (such as structural, functional, and spatial information, amino acid conservation, physicochemical variation, residue mobility, and thermodynamic stability) indicates that this missense variant is not expected to disrupt DKC1 protein function with a negative predictive value of 80%. In summary, the available evidence is currently insufficient to determine the role of this variant in disease. Therefore, it has been classified as a Variant of Uncertain Significance.